The following is an entry in ClinVar:

NM_000317.3(PTS):c.274A>C (p.Asn92His)

Gene: PTS (6-pyruvoyltetrahydropterin synthase; plus strand). Cytogenetic location: 11q23.1.
Variant type: single nucleotide variant.
Coding change: c.274A>C on transcript NM_000317.3 (MANE Select); coding-DNA position 274, A replaced by C.
Protein change: p.Asn92His; replaces asparagine 92 with histidine.
Molecular consequence: missense variant.
Genome position (GRCh38, 1-based): chr11:112,233,193, A>C. VCF-style: chr11-112233193-A-C. GRCh37 (hg19) VCF-style: chr11-112103916-A-C.
Other names: short protein forms N92H.
Identifiers: ClinVar variation 1407071 (VCV001407071.6), dbSNP rs1859964367, ClinGen allele CA382627828.

ClinVar aggregate classification (germline): Uncertain significance (1 of 4 stars; one submission).

Conditions:
6-Pyruvoyl-tetrahydrobiopterin synthase deficiency. Also called: Hyperphenylalanemia, BH4-deficient, A; Hyperphenylalaninemia due to 6-pyruvoyl-tetrahydropterin synthase deficiency; 6-Pyruvoyltetrahydropterin Synthase Deficiency; HYPERPHENYLALANINEMIA, TETRAHYDROBIOPTERIN-DEFICIENT, DUE TO PTS DEFICIENCY; PTS-Related Tetrahydrobiopterin Deficiency; BH4-deficient hyperphenylalaninemia A. Identifiers: Orphanet 13, Orphanet 238583, MedGen C0878676, MONDO:0009863, OMIM 261640.

Submission:

Labcorp Genetics (formerly Invitae), Labcorp
Classification: Uncertain significance for 6-Pyruvoyl-tetrahydrobiopterin synthase deficiency. Last evaluated: 2021-07-28. Review status: criteria provided, single submitter. Criteria: Invitae Variant Classification Sherloc (09022015). Collection method: clinical testing. Allele origin: germline.
Comment: In summary, the available evidence is currently insufficient to determine the role of this variant in disease. Therefore, it has been classified as a Variant of Uncertain Significance. This variant disrupts the p.Asn92 amino acid residue in PTS. Other variant(s) that disrupt this residue have been observed in individuals with PTS-related conditions (PMID: 23138986, 28915855), which suggests that this may be a clinically significant amino acid residue. Algorithms developed to predict the effect of missense changes on protein structure and function are either unavailable or do not agree on the potential impact of this missense change (SIFT: "Deleterious"; PolyPhen-2: "Benign"; Align-GVGD: "Class C65"). This missense change has been observed in individual(s) with biopterin-deficient hyperphenylalanemia (PMID: 28915855). This variant is not present in population databases (ExAC no frequency). This sequence change replaces asparagine with histidine at codon 92 of the PTS protein (p.Asn92His). The asparagine residue is highly conserved and there is a small physicochemical difference between asparagine and histidine.

Literature cited by the submitters: PubMed 23138986; PubMed 28915855.